The following is an entry in ClinVar:

NM_004977.3(KCNC3):c.859C>G (p.Arg287Gly)

Gene: KCNC3 (potassium voltage-gated channel subfamily C member 3; minus strand). Cytogenetic location: 19q13.33.
Variant type: single nucleotide variant.
Coding change: c.859C>G on transcript NM_004977.3 (MANE Select); coding-DNA position 859, C replaced by G.
Protein change: p.Arg287Gly; replaces arginine 287 with glycine.
Molecular consequence: missense variant.
Genome position (GRCh38, 1-based): chr19:50,328,224, G>C on the plus strand (C>G on the coding strand, the complement: KCNC3 is on the minus strand). VCF-style: chr19-50328224-G-C. GRCh37 (hg19) VCF-style: chr19-50831481-G-C.
Other names: c.631C>G, p.Arg211Gly (NM_001372305.1); short protein forms R211G, R287G.
Identifiers: ClinVar variation 2579352 (VCV002579352.2), dbSNP rs1024586536, ClinGen allele CA406953754.
Genomic context (GRCh38, chr19:50,328,224, plus strand): 5'-CCTGGAGAGGCGGGGGTGGGGTGGATGGGGGCCCCGAGAGCGCGCTCACCCTGGCAGCCC[G>C]CGACGAGTAGGGGTCCTCGAAGAGCGCCCACACGCGGGGCTGCCAGCGGCGCCACCATGT-3'
Protein context (NP_004968.2, residues 277-297): WALFEDPYSS[Arg287Gly]AARYVAFASL

ClinVar aggregate classification (germline): Uncertain significance (1 of 4 stars; one submission).

Submission:

GeneDx
Classification: Uncertain significance. Last evaluated: 2025-01-03. Review status: criteria provided, single submitter. Criteria: GeneDx Variant Classification Process June 2021. Collection method: clinical testing. Allele origin: germline. Affected: yes.
Comment: Not observed at significant frequency in large population cohorts (gnomAD); In silico analysis supports that this missense variant has a deleterious effect on protein structure/function; Has not been previously published as pathogenic or benign to our knowledge